The following is an entry in ClinVar:

NM_032444.4(SLX4):c.862C>A (p.Leu288Met)

Gene: SLX4 (SLX4 structure-specific endonuclease subunit; minus strand). Cytogenetic location: 16p13.3.
Variant type: single nucleotide variant.
Coding change: c.862C>A on transcript NM_032444.4 (MANE Select); coding-DNA position 862, C replaced by A.
Protein change: p.Leu288Met; replaces leucine 288 with methionine.
Molecular consequence: missense variant.
Genome position (GRCh38, 1-based): chr16:3,602,206, G>T on the plus strand (C>A on the coding strand, the complement: SLX4 is on the minus strand). VCF-style: chr16-3602206-G-T. GRCh37 (hg19) VCF-style: chr16-3652207-G-T.
Other names: short protein forms L288M.
Identifiers: ClinVar variation 1392645 (VCV001392645.8), dbSNP rs777370394, ClinGen allele CA7866720.
Genomic context (GRCh38, chr16:3,602,206, plus strand): 5'-CGTTCATGGCTGAGAGGTTCTTTTGACAAATCTGGCAGAAGAACAAACCCTTTTCCTCCA[G>T]GCTATCATCATGTGCCGATGCTCCTACCCGTGCAAACTCCTGCTGCAGGGTCAAGGCCAC-3'
Protein context (NP_115820.2, residues 278-298): RVGASAHDDS[Leu288Met]EEKGLFFCQI

ClinVar aggregate classification (germline): Uncertain significance (1 of 4 stars; one submission).

Conditions:
Fanconi anemia (FA). Also called: Fanconi's anemia. Identifiers: Orphanet 84, MedGen C0015625, MeSH D005199, MONDO:0019391.

Allele frequency attached by ClinVar (database versions not stated): gnomAD exomes below 0.00001; gnomAD 0.00001; ExAC 0.00002.
gnomAD v4.1: 2 of 1,614,064 alleles (0.00012%); highest among the groups gnomAD compares: Middle Eastern, 0.016%; no homozygotes.

Submission:

Labcorp Genetics (formerly Invitae), Labcorp
Classification: Uncertain significance for Fanconi anemia. Last evaluated: 2025-06-08. Review status: criteria provided, single submitter. Criteria: Invitae Variant Classification Sherloc (09022015). Collection method: clinical testing. Allele origin: germline.
Comment: This sequence change replaces leucine, which is neutral and non-polar, with methionine, which is neutral and non-polar, at codon 288 of the SLX4 protein (p.Leu288Met). This variant is present in population databases (rs777370394, gnomAD no frequency). This variant has not been reported in the literature in individuals affected with SLX4-related conditions. ClinVar contains an entry for this variant (Variation ID: 1392645). An algorithm developed to predict the effect of missense changes on protein structure and function (PolyPhen-2) suggests that this variant is likely to be disruptive. In summary, the available evidence is currently insufficient to determine the role of this variant in disease. Therefore, it has been classified as a Variant of Uncertain Significance.